The following is an entry in ClinVar:

ClinVar aggregate classification (germline): Benign/Likely benign. Review status: criteria provided, multiple submitters, no conflicts (2 of 4 stars). 4 submissions from 4 submitters: Benign (1); Likely benign (3). Last evaluated 2025-10-09.

Conditions:
Hereditary cancer-predisposing syndrome. Also called: Hereditary Cancer Syndrome; Hereditary neoplastic syndrome; Neoplastic Syndromes, Hereditary; Tumor predisposition. Identifiers: Orphanet 140162, MedGen C0027672, MeSH D009386, MONDO:0015356.
Hereditary nonpolyposis colorectal neoplasms. Identifiers: MedGen C0009405, MeSH D003123.
Lynch syndrome 4 (LYNCH4). Also called: Colorectal cancer, hereditary nonpolyposis, type 4; Hereditary non-polyposis colorectal cancer, type 4. Identifiers: Orphanet 144, MedGen C1838333, MONDO:0013699, OMIM 614337. Disease mechanism: loss of function.

Submissions (4):

Labcorp Genetics (formerly Invitae), Labcorp
Classification: Likely benign for Hereditary nonpolyposis colorectal neoplasms. Last evaluated: 2025-10-09. Review status: criteria provided, single submitter. Criteria: Invitae Variant Classification Sherloc (09022015). Collection method: clinical testing. Allele origin: germline.

Myriad Genetics, Inc.
Classification: Benign for Lynch syndrome 4. Last evaluated: 2025-02-03. Review status: criteria provided, single submitter. Criteria: Myriad Autosomal Dominant, Autosomal Recessive and X-Linked Classification Criteria (2023). Collection method: clinical testing. Allele origin: unknown.
Comment: This variant is considered benign. This variant is a silent/synonymous amino acid change and it is not expected to impact splicing.

Ambry Genetics
Classification: Likely benign for Hereditary cancer-predisposing syndrome. Last evaluated: 2024-05-29. Review status: criteria provided, single submitter. Criteria: Ambry Variant Classification Scheme 2023. Collection method: clinical testing. Allele origin: germline.

GeneDx
Classification: Likely benign. Last evaluated: 2016-05-10. Review status: criteria provided, single submitter. Criteria: GeneDx Variant Classification (06012015). Collection method: clinical testing. Allele origin: germline. Affected: yes.
Comment: This variant is considered likely benign or benign based on one or more of the following criteria: it is a conservative change, it occurs at a poorly conserved position in the protein, it is predicted to be benign by multiple in silico algorithms, and/or has population frequency not consistent with disease.

NM_000535.7(PMS2):c.1977A>G (p.Ala659=)

Gene: PMS2 (PMS1 homolog 2, mismatch repair system component; minus strand). Cytogenetic location: 7p22.1.
Variant type: single nucleotide variant.
Coding change: c.1977A>G on transcript NM_000535.7 (MANE Select); coding-DNA position 1977, A replaced by G.
Protein change: p.Ala659=; no amino-acid change (alanine 659 retained).
Molecular consequence: synonymous variant. On other transcripts: non-coding transcript variant (1).
Genome position (GRCh38, 1-based): chr7:5,986,788, T>C on the plus strand (A>G on the coding strand, the complement: PMS2 is on the minus strand). VCF-style: chr7-5986788-T-C. GRCh37 (hg19) VCF-style: chr7-6026419-T-C.
Other names: c.1572A>G, p.Ala524= (NM_001322003.2, NM_001322004.2, NM_001322005.2 and 1 more transcripts); c.1821A>G, p.Ala607= (NM_001322006.2); c.1659A>G, p.Ala553= (NM_001322007.2, NM_001322008.2); c.1416A>G, p.Ala472= (NM_001322010.2); c.1044A>G, p.Ala348= (NM_001322011.2, NM_001322012.2); c.1404A>G, p.Ala468= (NM_001322013.2); c.1977A>G, p.Ala659= (NM_001322014.2); c.1668A>G, p.Ala556= (NM_001322015.2).
Identifiers: ClinVar variation 386105 (VCV000386105.7), dbSNP rs1057522418, ClinGen allele CA16605828.